The following is an entry in ClinVar:

ClinVar aggregate classification (germline): Conflicting classifications of pathogenicity. Review status: criteria provided, conflicting classifications (1 of 4 stars). 7 submissions from 6 submitters: Uncertain significance (3); Likely benign (3). 1 of the submissions does not count toward it. Last evaluated 2026-01-22.

Conditions:
NPHP4-related disorder. Also called: NPHP4-related disorders; NPHP4-related condition. Identifiers: MedGen CN239384.
Senior-Loken syndrome 4 (SLSN4). Identifiers: Orphanet 3156, MedGen C1846979, MONDO:0011756, OMIM 606996.
Nephronophthisis 4 (NPHP4). Also called: NEPHRONOPHTHISIS 4, JUVENILE. Identifiers: Orphanet 655, MedGen C1847013, MONDO:0011752, OMIM 606966.
Nephronophthisis. Also called: Juvenile Nephronophthisis. Identifiers: Orphanet 655, MedGen C0687120, MONDO:0019005, HP:0000090.

Allele frequency attached by ClinVar (database versions not stated): 1000 Genomes Project 30x 0.00016; 1000 Genomes Project 0.00020; gnomAD 0.00060 and 0.00061; TOPMed 0.00062; gnomAD exomes 0.00066 and 0.00088; ExAC 0.00113; ESP Exome Variant Server 0.00137.
gnomAD v4.1: 1,381 of 1,610,162 alleles (0.086%); highest among the groups gnomAD compares: Non-Finnish European, 0.1%; 1 homozygote.

Submissions (7):

Labcorp Genetics (formerly Invitae), Labcorp
Classification: Likely benign for Nephronophthisis. Last evaluated: 2026-01-22. Review status: criteria provided, single submitter. Criteria: Invitae Variant Classification Sherloc (09022015). Collection method: clinical testing. Allele origin: germline.

Mayo Clinic Laboratories, Mayo Clinic
Classification: Likely benign. Last evaluated: 2025-02-14. Review status: criteria provided, single submitter. Criteria: ACMG Guidelines, 2015. Collection method: clinical testing. Allele origin: germline. Observed: 2 variant alleles.
Comment: BP4, BP7, PM2_supporting

Blueprint Genetics
Classification: Likely benign. Last evaluated: 2024-10-02. Review status: criteria provided, single submitter. Criteria: ACMG Guidelines, 2015. Collection method: clinical testing. Allele origin: germline.

Illumina Laboratory Services, Illumina
Classification: Uncertain significance for Nephronophthisis 4. Last evaluated: 2018-01-13. Review status: criteria provided, single submitter. Criteria: ICSL Variant Classification Criteria 13 December 2019. Collection method: clinical testing. Allele origin: germline.

Illumina Laboratory Services, Illumina
Classification: Uncertain significance for Senior-Loken syndrome 4. Last evaluated: 2018-01-13. Review status: criteria provided, single submitter. Criteria: ICSL Variant Classification Criteria 13 December 2019. Collection method: clinical testing. Allele origin: germline.

Eurofins Ntd Llc (ga)
Classification: Uncertain significance. Last evaluated: 2017-05-03. Review status: criteria provided, single submitter. Criteria: EGL Classification Definitions 2015. Collection method: clinical testing. Allele origin: germline. Observed: 4 variant alleles, 4 heterozygotes.

PreventionGenetics, part of Exact Sciences
Classification: Likely benign for NPHP4-related condition. Last evaluated: 2019-11-18. Review status: no assertion criteria provided. Collection method: clinical testing. Allele origin: germline. Not counted in ClinVar's aggregate classification.
Comment: This variant is classified as likely benign based on ACMG/AMP sequence variant interpretation guidelines (Richards et al. 2015 PMID: 25741868, with internal and published modifications).

NM_015102.5(NPHP4):c.2259C>T (p.Asp753=)

Gene: NPHP4 (nephrocystin 4; minus strand). Cytogenetic location: 1p36.31.
Variant type: single nucleotide variant.
Coding change: c.2259C>T on transcript NM_015102.5 (MANE Select); coding-DNA position 2259, C replaced by T.
Protein change: p.Asp753=; no amino-acid change (aspartic acid 753 retained).
Molecular consequence: synonymous variant. On other transcripts: non-coding transcript variant (1).
Genome position (GRCh38, 1-based): chr1:5,890,913, G>A on the plus strand (C>T on the coding strand, the complement: NPHP4 is on the minus strand). VCF-style: chr1-5890913-G-A. GRCh37 (hg19) VCF-style: chr1-5950973-G-A.
Other names: p.Asp753=; c.720C>T, p.Asp240= (NM_001291593.2); c.723C>T, p.Asp241= (NM_001291594.2).
Identifiers: ClinVar variation 289327 (VCV000289327.22), dbSNP rs199628481, ClinGen allele CA554221.